The following is an entry in ClinVar:

NM_032608.7(MYO18B):c.6544G>A (p.Val2182Ile)

Gene: MYO18B (myosin XVIIIB; plus strand). Cytogenetic location: 22q12.1.
Variant type: single nucleotide variant.
Coding change: c.6544G>A on transcript NM_032608.7 (MANE Select); coding-DNA position 6544, G replaced by A.
Protein change: p.Val2182Ile; replaces valine 2182 with isoleucine.
Molecular consequence: missense variant.
Genome position (GRCh38, 1-based): chr22:26,026,518, G>A. VCF-style: chr22-26026518-G-A. GRCh37 (hg19) VCF-style: chr22-26422484-G-A.
Other names: c.6547G>A, p.Val2183Ile (NM_001318245.2); short protein forms V2182I, V2183I.
Identifiers: ClinVar variation 1937501 (VCV001937501.4), dbSNP rs1483079645, ClinGen allele CA411009949.

ClinVar aggregate classification (germline): Uncertain significance (1 of 4 stars; one submission).

Allele frequency attached by ClinVar (database versions not stated): gnomAD exomes below 0.00001; TOPMed below 0.00001.
gnomAD v4.1: 4 of 1,613,904 alleles (0.00025%); highest among the groups gnomAD compares: Admixed American, 0.0033%; no homozygotes.

Submission:

Labcorp Genetics (formerly Invitae), Labcorp
Classification: Uncertain significance. Last evaluated: 2024-12-23. Review status: criteria provided, single submitter. Criteria: Invitae Variant Classification Sherloc (09022015). Collection method: clinical testing. Allele origin: germline.
Comment: This sequence change replaces valine, which is neutral and non-polar, with isoleucine, which is neutral and non-polar, at codon 2182 of the MYO18B protein (p.Val2182Ile). This variant is present in population databases (no rsID available, gnomAD 0.0009%). This variant has not been reported in the literature in individuals affected with MYO18B-related conditions. ClinVar contains an entry for this variant (Variation ID: 1937501). An algorithm developed to predict the effect of missense changes on protein structure and function outputs the following: PolyPhen-2: "Benign". The isoleucine amino acid residue is found in multiple mammalian species, which suggests that this missense change does not adversely affect protein function. In summary, the available evidence is currently insufficient to determine the role of this variant in disease. Therefore, it has been classified as a Variant of Uncertain Significance.